The following is an entry in ClinVar:

ClinVar aggregate classification (germline): Uncertain significance (1 of 4 stars; one submission).

Conditions:
Cardiovascular phenotype. Identifiers: MedGen CN230736.

Allele frequency attached by ClinVar (database versions not stated): gnomAD exomes below 0.00001; TOPMed 0.00001.
gnomAD v4.1: 1 of 1,614,012 alleles (0.000062%); highest among the groups gnomAD compares: Non-Finnish European, 0.000085%; no homozygotes.

Submission:

Ambry Genetics
Classification: Uncertain significance for Cardiovascular phenotype. Last evaluated: 2023-07-21. Review status: criteria provided, single submitter. Criteria: Ambry Variant Classification Scheme 2023. Collection method: clinical testing. Allele origin: germline.
Comment: The p.I40M variant (also known as c.120A>G), located in coding exon 2 of the TRDN gene, results from an A to G substitution at nucleotide position 120. The isoleucine at codon 40 is replaced by methionine, an amino acid with highly similar properties. This amino acid position is conserved. In addition, this alteration is predicted to be tolerated by in silico analysis. Since supporting evidence is limited at this time, the clinical significance of this alteration remains unclear.

NM_006073.4(TRDN):c.120A>G (p.Ile40Met)

Gene: TRDN (triadin; minus strand). Cytogenetic location: 6q22.31.
Variant type: single nucleotide variant.
Coding change: c.120A>G on transcript NM_006073.4 (MANE Select); coding-DNA position 120, A replaced by G.
Protein change: p.Ile40Met; replaces isoleucine 40 with methionine.
Molecular consequence: missense variant.
Genome position (GRCh38, 1-based): chr6:123,571,035, T>C on the plus strand (A>G on the coding strand, the complement: TRDN is on the minus strand). VCF-style: chr6-123571035-T-C. GRCh37 (hg19) VCF-style: chr6-123892180-T-C.
Other names: c.120A>G, p.Ile40Met (NM_001251987.2, NM_001256020.2, NM_001256021.2 and 2 more transcripts); short protein forms I40M.
Identifiers: ClinVar variation 2625266 (VCV002625266.2), dbSNP rs1376161348, ClinGen allele CA365569246.